The following is an entry in ClinVar:

NM_000083.3(CLCN1):c.2062G>A (p.Gly688Arg)

Genes: CLCN1 (chloride voltage-gated channel 1; plus strand), LOC123956257 (Sharpr-MPRA regulatory region 4117; plus strand). Cytogenetic location: 7q34.
Variant type: single nucleotide variant.
Coding change: c.2062G>A on transcript NM_000083.3 (MANE Select); coding-DNA position 2062, G replaced by A.
Protein change: p.Gly688Arg; replaces glycine 688 with arginine.
Molecular consequence: missense variant. On other transcripts: non-coding transcript variant (1).
Genome position (GRCh38, 1-based): chr7:143,345,652, G>A. VCF-style: chr7-143345652-G-A. GRCh37 (hg19) VCF-style: chr7-143042745-G-A.
Other names: short protein forms G688R.
Identifiers: ClinVar variation 3336010 (VCV003336010.1).

ClinVar aggregate classification (germline): Uncertain significance (1 of 4 stars; one submission).

Submission:

Women's Health and Genetics/Laboratory Corporation of America, LabCorp
Classification: Uncertain significance. Last evaluated: 2024-05-13. Review status: criteria provided, single submitter. Criteria: LabCorp Variant Classification Summary - May 2015. Collection method: clinical testing. Allele origin: germline.
Comment: Variant summary: CLCN1 c.2062G>A (p.Gly688Arg) results in a non-conservative amino acid change in the encoded protein sequence. Four of five in-silico tools predict a damaging effect of the variant on protein function. The frequency data for this variant in gnomAD is considered unreliable, as metrics indicate poor data quality at this position. To our knowledge, no occurrence of c.2062G>A in individuals affected with Myotonia congenita and no experimental evidence demonstrating its impact on protein function have been reported. No submitters have cited clinical-significance assessments for this variant to ClinVar. Based on the evidence outlined above, the variant was classified as uncertain significance.